The following is an entry in ClinVar:

ClinVar aggregate classification (germline): Uncertain significance (1 of 4 stars; one submission).

Conditions:
Hereditary cancer-predisposing syndrome. Also called: Neoplastic Syndromes, Hereditary; Tumor predisposition; Hereditary Cancer Syndrome; Hereditary neoplastic syndrome. Identifiers: Orphanet 140162, MedGen C0027672, MeSH D009386, MONDO:0015356.

Submission:

Ambry Genetics
Classification: Uncertain significance for Hereditary cancer-predisposing syndrome. Last evaluated: 2025-10-15. Review status: criteria provided, single submitter. Criteria: Ambry Variant Classification Scheme 2023. Collection method: clinical testing. Allele origin: germline.
Comment: The p.P89A variant (also known as c.265C>G), located in coding exon 3 of the BARD1 gene, results from a C to G substitution at nucleotide position 265. The proline at codon 89 is replaced by alanine, an amino acid with highly similar properties. This amino acid position is highly conserved in available vertebrate species. In addition, the in silico prediction for this alteration is inconclusive. Based on the available evidence, the clinical significance of this variant remains unclear.

NM_000465.4(BARD1):c.265C>G (p.Pro89Ala)

Gene: BARD1 (BRCA1 associated RING domain 1; minus strand). Cytogenetic location: 2q35.
Variant type: single nucleotide variant.
Coding change: c.265C>G on transcript NM_000465.4 (MANE Select); coding-DNA position 265, C replaced by G.
Protein change: p.Pro89Ala; replaces proline 89 with alanine.
Molecular consequence: missense variant. On other transcripts: non-coding transcript variant (1), intron variant (2).
Genome position (GRCh38, 1-based): chr2:214,792,396, G>C on the plus strand (C>G on the coding strand, the complement: BARD1 is on the minus strand). VCF-style: chr2-214792396-G-C. GRCh37 (hg19) VCF-style: chr2-215657120-G-C.
Other names: c.208C>G, p.Pro70Ala (NM_001282543.2); c.265C>G, p.Pro89Ala (NM_001282549.2); c.158+17016C>G (NM_001282548.2); c.215+4665C>G (NM_001282545.2); short protein forms P70A, P89A.
Identifiers: ClinVar variation 4621666 (VCV004621666.1).